The following is an entry in ClinVar:

NM_000465.4(BARD1):c.44G>T (p.Arg15Leu)

Gene: BARD1 (BRCA1 associated RING domain 1; minus strand). Cytogenetic location: 2q35.
Variant type: single nucleotide variant.
Coding change: c.44G>T on transcript NM_000465.4 (MANE Select); coding-DNA position 44, G replaced by T.
Protein change: p.Arg15Leu; replaces arginine 15 with leucine.
Molecular consequence: missense variant. On other transcripts: non-coding transcript variant (3).
Genome position (GRCh38, 1-based): chr2:214,809,526, C>A on the plus strand (G>T on the coding strand, the complement: BARD1 is on the minus strand). VCF-style: chr2-214809526-C-A. GRCh37 (hg19) VCF-style: chr2-215674250-C-A.
Other names: c.44G>T, p.Arg15Leu (NM_001282543.2, NM_001282545.2, NM_001282548.2 and 1 more transcripts); short protein forms R15L.
Identifiers: ClinVar variation 460750 (VCV000460750.21), dbSNP rs545107676, ClinGen allele CA2090533.

ClinVar aggregate classification (germline): Likely benign. Review status: criteria provided, multiple submitters, no conflicts (2 of 4 stars). 5 submissions from 5 submitters: Likely benign (5). Last evaluated 2026-01-27.

Conditions:
Familial cancer of breast. Also called: BREAST CANCER, FAMILIAL; hereditary breast carcinoma; Hereditary breast cancer. Identifiers: Orphanet 227535, MedGen C0346153, MONDO:0016419, OMIM 114480. Disease mechanism: loss of function.
Hereditary cancer-predisposing syndrome. Also called: Neoplastic Syndromes, Hereditary; Tumor predisposition; Hereditary Cancer Syndrome; Hereditary neoplastic syndrome. Identifiers: Orphanet 140162, MedGen C0027672, MeSH D009386, MONDO:0015356.

Allele frequency attached by ClinVar (database versions not stated): TOPMed 0.00001; gnomAD exomes 0.00015; 1000 Genomes Project 30x 0.00016; 1000 Genomes Project 0.00020; ExAC 0.00036.
gnomAD v4.1: 88 of 1,587,988 alleles (0.0055%); highest among the groups gnomAD compares: South Asian, 0.09%; no homozygotes.

Submissions (5):

Labcorp Genetics (formerly Invitae), Labcorp
Classification: Likely benign for Familial cancer of breast. Last evaluated: 2026-01-27. Review status: criteria provided, single submitter. Criteria: Invitae Variant Classification Sherloc (09022015). Collection method: clinical testing. Allele origin: germline.

Quest Diagnostics Nichols Institute San Juan Capistrano
Classification: Likely benign. Last evaluated: 2025-06-25. Review status: criteria provided, single submitter. Criteria: Quest Diagnostics criteria. Collection method: clinical testing. Allele origin: unknown.

Ambry Genetics
Classification: Likely benign for Hereditary cancer-predisposing syndrome. Last evaluated: 2021-12-06. Review status: criteria provided, single submitter. Criteria: Ambry Variant Classification Scheme 2023. Collection method: clinical testing. Allele origin: germline.

Women's Health and Genetics/Laboratory Corporation of America, LabCorp
Classification: Likely benign. Last evaluated: 2020-02-10. Review status: criteria provided, single submitter. Criteria: LabCorp Variant Classification Summary - May 2015. Collection method: clinical testing. Allele origin: germline.
Comment: Variant summary: BARD1 c.44G>T (p.Arg15Leu) results in a non-conservative amino acid change in the encoded protein sequence. Four of five in-silico tools predict a benign effect of the variant on protein function. The variant allele was found at a frequency of 0.00015 in 202228 control chromosomes, predominantly at a frequency of 0.001 within the South Asian subpopulation in the gnomAD database. The observed variant frequency within South Asian control individuals in the gnomAD database is approximately 4-fold the estimated maximal expected allele frequency for a pathogenic variant in BARD1 causing Breast Cancer phenotype (0.00025), strongly suggesting that the variant is a benign polymorphism found primarily in populations of South Asian origin. To our knowledge, no occurrence of c.44G>T in individuals affected with Breast Cancer and no experimental evidence demonstrating its impact on protein function have been reported. Three other clinical diagnostic laboratories have submitted clinical-significance assessments for this variant to ClinVar after 2014 without evidence for independent evaluation. They cited the variant as likely benign (n=2) and uncertain significance (n=1). Based on the evidence outlined above, the variant was classified as likely benign.

Color Diagnostics, LLC DBA Color Health
Classification: Likely benign for Hereditary cancer-predisposing syndrome. Last evaluated: 2016-08-23. Review status: criteria provided, single submitter. Criteria: ACMG Guidelines, 2015. Collection method: clinical testing. Allele origin: germline.

Literature cited by the submitters: PubMed 33309985 (cited by Quest Diagnostics Nichols Institute San Juan Capistrano and Ambry Genetics).